The following is an entry in ClinVar:

ClinVar aggregate classification (germline): Likely benign. Review status: criteria provided, multiple submitters, no conflicts (2 of 4 stars). 2 submissions from 2 submitters: Likely benign (2). Last evaluated 2023-01-01.

Allele frequency attached by ClinVar (database versions not stated): gnomAD exomes 0.00001; ExAC 0.00005; gnomAD 0.00012; ESP Exome Variant Server 0.00016.
gnomAD v4.1: 25 of 1,569,744 alleles (0.0016%); highest among the groups gnomAD compares: African/African-American, 0.022%; no homozygotes.

Submissions (2):

CeGaT Center for Human Genetics Tuebingen
Classification: Likely benign. Last evaluated: 2023-01-01. Review status: criteria provided, single submitter. Criteria: CeGaT Center For Human Genetics Tuebingen Variant Classification Criteria Version 2. Collection method: clinical testing. Allele origin: germline. Affected: yes. Observed: 1 variant allele.
Comment: MUC4: BP4, BP7

Breakthrough Genomics
Classification: Likely benign. Review status: criteria provided, single submitter. Criteria: ACMG Guidelines, 2015. Collection method: not provided. Allele origin: germline. Inheritance: Unknown mechanism. Affected: yes.

NM_018406.7(MUC4):c.12684C>T (p.Thr4228=)

Genes: MUC4 (mucin 4, cell surface associated), LOC126806930 (BRD4-independent group 4 enhancer GRCh37_chr3:195505212-195506411). Cytogenetic location: 3q29.
Variant type: single nucleotide variant.
Coding change: c.12684C>T on transcript NM_018406.7 (MANE Select); coding-DNA position 12684, C replaced by T.
Protein change: p.Thr4228=; no amino-acid change (threonine 4228 retained).
Molecular consequence: synonymous variant. On other transcripts: genic upstream transcript variant (2).
Genome position (GRCh38, 1-based): chr3:195,778,896, G>A on the plus strand (C>T on the coding strand, the complement: MUC4 is on the minus strand). VCF-style: chr3-195778896-G-A. GRCh37 (hg19) VCF-style: chr3-195505767-G-A.
Other names: c.18702C>T, p.Thr6234= (NM_001322468.1); c.83-4591C>T (NM_138297.5); c.83-441C>T (NM_004532.6).
Identifiers: ClinVar variation 2654378 (VCV002654378.25), dbSNP rs372931109, ClinGen allele CA2768620.